The following is an entry in ClinVar:

ClinVar aggregate classification (germline): Likely benign (1 of 4 stars; one submission).

Submission:

CeGaT Center for Human Genetics Tuebingen
Classification: Likely benign. Last evaluated: 2025-12-01. Review status: criteria provided, single submitter. Criteria: CeGaT Center For Human Genetics Tuebingen Variant Classification Criteria Version 2. Collection method: clinical testing. Allele origin: germline. Affected: yes. Observed: 1 variant allele.
Comment: WDR54: PM2:Supporting, BP4, BP7

NM_032118.4(WDR54):c.549C>T (p.Asp183=)

Gene: WDR54 (WD repeat domain 54; plus strand). Cytogenetic location: 2p13.1.
Variant type: single nucleotide variant.
Coding change: c.549C>T on transcript NM_032118.4 (MANE Select); coding-DNA position 549, C replaced by T.
Protein change: p.Asp183=; no amino-acid change (aspartic acid 183 retained).
Molecular consequence: synonymous variant.
Genome position (GRCh38, 1-based): chr2:74,424,889, C>T. VCF-style: chr2-74424889-C-T. GRCh37 (hg19) VCF-style: chr2-74652016-C-T.
Other names: c.594C>T, p.Asp198= (NM_001320823.2); c.549C>T, p.Asp183= (NM_001320824.2); c.393C>T, p.Asp131= (NM_001320825.2).
Identifiers: ClinVar variation 4682026 (VCV004682026.5).